The following is an entry in ClinVar:

ClinVar aggregate classification (germline): Benign. Review status: reviewed by expert panel (3 of 4 stars). 16 submissions from 14 submitters: Benign (1). 15 of the submissions do not count toward it. Last evaluated 2025-11-11.

Conditions:
MYH7-related disorder. Also called: MYH7-related condition; MYH7-related disease; MYH7-related disorders.
Myosin storage myopathy (CMYO7A). Also called: MYH7-related late-onset scapuloperoneal muscular dystrophy; Congenital myopathy 7A, myosin storage, autosomal dominant; MYOPATHY, HYALINE BODY, AUTOSOMAL DOMINANT; Scapuloperoneal myopathy, MYH7-related; MYOPATHY WITH LYSIS OF TYPE I MYOFIBRILS; SCAPULOPERONEAL MUSCULAR DYSTROPHY. Identifiers: Orphanet 437572, Orphanet 636965, MedGen C1842160, MONDO:0008409, OMIM 608358.
Cardiovascular phenotype. Identifiers: MedGen CN230736.
Cardiomyopathy (CMYO). Also called: Cardiomyopathies. Identifiers: Orphanet 167848, MedGen C0878544, MONDO:0004994, HP:0001638. Inheritance: Various modes of inheritance.
MYH7-related skeletal myopathy. Also called: MYOPATHY, DISTAL, EARLY-ONSET, AUTOSOMAL DOMINANT; MYOPATHY, LATE DISTAL HEREDITARY; Laing distal myopathy; Laing early-onset distal myopathy; Myopathy, distal, 1. Identifiers: Orphanet 59135, MedGen C4552004, MONDO:0008050, OMIM 160500.
Hypertrophic cardiomyopathy 1 (CMH1). Also called: Familial hypertrophic cardiomyopathy 1; MYH7-Related Familial Hypertrophic Cardiomyopathy. Identifiers: MedGen C3495498, MONDO:0008647, OMIM 192600.
Hypertrophic cardiomyopathy. Also called: HYPERTROPHIC MYOCARDIOPATHY. Identifiers: Orphanet 217569, MedGen C0007194, MeSH D002312, MONDO:0005045, HP:0001639.

Allele frequency attached by ClinVar (database versions not stated): gnomAD below 0.00001 and 0.00008; TOPMed 0.00001; gnomAD exomes 0.00014 and 0.00030; ExAC 0.00030.
gnomAD v4.1: 219 of 1,613,948 alleles (0.014%); highest among the groups gnomAD compares: South Asian, 0.23%; 4 homozygotes.

Submissions (16):

ClinGen Cardiomyopathy Variant Curation Expert Panel
Classification: Benign for Hypertrophic cardiomyopathy. Last evaluated: 2025-11-11. Review status: reviewed by expert panel. Criteria: ClinGen CMP ACMG Specifications v1. Collection method: curation. Allele origin: germline. Inheritance: Autosomal dominant inheritance.
Comment: The filtering allele frequency of the c.3770A>G (p.Asn1257Ser) variant in the MYH7 gene is 0.17% (37/16512) of South Asian chromosomes by the Exome Aggregation Consortium, which is a high enough frequency to be classified as benign based on thresholds defined by the ClinGen Inherited Cardiomyopathy Expert Panel (BA1; PMID:29300372).

PreventionGenetics, part of Exact Sciences
Classification: Likely benign for MYH7-related condition. Last evaluated: 2026-05-29. Review status: criteria provided, single submitter. Criteria: ACMG Guidelines, 2015. Collection method: clinical testing. Allele origin: germline. Not counted in ClinVar's aggregate classification.
Comment: This variant is classified as likely benign based on ACMG/AMP sequence variant interpretation guidelines (Richards et al. 2015 PMID: 25741868, with internal and published modifications).

Labcorp Genetics (formerly Invitae), Labcorp
Classification: Likely benign for Hypertrophic cardiomyopathy. Last evaluated: 2025-12-22. Review status: criteria provided, single submitter. Criteria: Invitae Variant Classification Sherloc (09022015). Collection method: clinical testing. Allele origin: germline. Not counted in ClinVar's aggregate classification.

CeGaT Center for Human Genetics Tuebingen
Classification: Likely benign. Last evaluated: 2025-09-01. Review status: criteria provided, single submitter. Criteria: CeGaT Center For Human Genetics Tuebingen Variant Classification Criteria Version 2. Collection method: clinical testing. Allele origin: germline. Affected: yes. Observed: 1 variant allele. Not counted in ClinVar's aggregate classification.
Comment: MYH7: BP4, BS2

CHEO Genetics Diagnostic Laboratory, Children's Hospital of Eastern Ontario
Classification: Benign for Cardiomyopathy. Last evaluated: 2023-05-19. Review status: criteria provided, single submitter. Criteria: ACMG Guidelines, 2015. Collection method: clinical testing. Allele origin: germline. Not counted in ClinVar's aggregate classification.

Blueprint Genetics
Classification: Likely benign. Last evaluated: 2021-10-07. Review status: criteria provided, single submitter. Criteria: ACMG Guidelines, 2015. Collection method: clinical testing. Allele origin: germline. Not counted in ClinVar's aggregate classification.

Ambry Genetics
Classification: Benign for Cardiovascular phenotype. Last evaluated: 2020-03-06. Review status: criteria provided, single submitter. Criteria: Ambry Variant Classification Scheme 2023. Collection method: clinical testing. Allele origin: germline. Not counted in ClinVar's aggregate classification.

Color Diagnostics, LLC DBA Color Health
Classification: Likely benign for Cardiomyopathy. Last evaluated: 2018-10-18. Review status: criteria provided, single submitter. Criteria: ACMG Guidelines, 2015. Collection method: clinical testing. Allele origin: germline. Not counted in ClinVar's aggregate classification.

Illumina Laboratory Services, Illumina
Classification: Benign for MYH7-related skeletal myopathy. Last evaluated: 2018-01-13. Review status: criteria provided, single submitter. Criteria: ICSL Variant Classification Criteria 13 December 2019. Collection method: clinical testing. Allele origin: germline. Not counted in ClinVar's aggregate classification.
Comment: This variant was observed in the ICSL laboratory as part of a predisposition screen in an ostensibly healthy population. It had not been previously curated by ICSL or reported in the Human Gene Mutation Database (HGMD: prior to June 1st, 2018), and was therefore a candidate for classification through an automated scoring system. Utilizing variant allele frequency, disease prevalence and penetrance estimates, and inheritance mode, an automated score was calculated to assess if this variant is too frequent to cause the disease. Based on the score and internal cut-off values, a variant classified as benign is not then subjected to further curation. The score for this variant resulted in a classification of benign for this disease.

Illumina Laboratory Services, Illumina
Classification: Uncertain significance for Hypertrophic cardiomyopathy 1. Last evaluated: 2018-01-13. Review status: criteria provided, single submitter. Criteria: ICSL Variant Classification Criteria 13 December 2019. Collection method: clinical testing. Allele origin: germline. Not counted in ClinVar's aggregate classification.

Illumina Laboratory Services, Illumina
Classification: Uncertain significance for Myosin storage myopathy. Last evaluated: 2018-01-13. Review status: criteria provided, single submitter. Criteria: ICSL Variant Classification Criteria 13 December 2019. Collection method: clinical testing. Allele origin: germline. Not counted in ClinVar's aggregate classification.

Laboratory for Molecular Medicine, Mass General Brigham Personalized Medicine
Classification: Uncertain significance. Last evaluated: 2016-09-19. Review status: criteria provided, single submitter. Criteria: LMM Criteria. Collection method: clinical testing. Allele origin: germline. Observed: 1 variant allele. Not counted in ClinVar's aggregate classification.
Comment: proposed classification - variant undergoing re-assessment, contact laboratory

Biesecker Lab/Clinical Genomics Section, National Institutes of Health
Classification: Uncertain significance. Last evaluated: 2013-06-24. Review status: criteria provided, single submitter. Criteria: Ng et al. (Circ Cardiovasc Genet. 2013). Collection method: research. Allele origin: unknown. Observed: 1 variant allele. Study: ClinSeq. Not counted in ClinVar's aggregate classification.
Comment: The study set was not selected for affection status in relation to any cancer. Pathogenicity categories were based on literature curation. See Pubmed ID:23861362 for details.

Medical sequencing

Clinical Genetics, Academic Medical Center
Classification: Likely benign. Review status: no assertion criteria provided. Collection method: clinical testing. Allele origin: germline. Affected: yes. Study: VKGL Data-share Consensus. Not counted in ClinVar's aggregate classification.

Genome Diagnostics Laboratory, University Medical Center Utrecht
Classification: Likely benign. Review status: no assertion criteria provided. Collection method: clinical testing. Allele origin: germline. Affected: yes. Study: VKGL Data-share Consensus. Not counted in ClinVar's aggregate classification.

Joint Genome Diagnostic Labs from Nijmegen and Maastricht, Radboudumc and MUMC+
Classification: Likely benign. Review status: no assertion criteria provided. Collection method: clinical testing. Allele origin: germline. Affected: yes. Study: VKGL Data-share Consensus. Not counted in ClinVar's aggregate classification.

Literature cited by the submitters: PubMed 29300372 (cited by ClinGen Cardiomyopathy Variant Curation Expert Panel); PubMed 23861362 (cited by Ambry Genetics and Laboratory for Molecular Medicine, Mass General Brigham Personalized Medicine); PubMed 25351510 (cited by Ambry Genetics).

NM_000257.4(MYH7):c.3770A>G (p.Asn1257Ser)

Gene: MYH7 (myosin heavy chain 7; minus strand). Cytogenetic location: 14q11.2.
Variant type: single nucleotide variant.
Coding change: c.3770A>G on transcript NM_000257.4 (MANE Select); coding-DNA position 3770, A replaced by G.
Protein change: p.Asn1257Ser; replaces asparagine 1257 with serine.
Molecular consequence: missense variant.
Genome position (GRCh38, 1-based): chr14:23,419,566, T>C on the plus strand (A>G on the coding strand, the complement: MYH7 is on the minus strand). VCF-style: chr14-23419566-T-C. GRCh37 (hg19) VCF-style: chr14-23888775-T-C.
Other names: NM_000257.3(MYH7):c.3770A>G; short protein forms N1257S.
Identifiers: ClinVar variation 188628 (VCV000188628.39), dbSNP rs574005462, ClinGen allele CA014062.
Genomic context (GRCh38, chr14:23,419,566, plus strand): 5'-CGCTGGCTGGTGAGGTCGTTGACAGAACGCTGGGTCTCCTCCGCCTTGCTCCGGTGCTCA[T>C]TCATCTGGTCTTCCAAGGTCCGGCACATCTTCTCCAGGTTAGCCTGAGAAGGGAAGGAGA-3'
Protein context (NP_000248.2, residues 1247-1267): KMCRTLEDQM[Asn1257Ser]EHRSKAEETQ